The following is an entry in ClinVar:

NM_017780.4(CHD7):c.2713C>G (p.Leu905Val)

Gene: CHD7 (chromodomain helicase DNA binding protein 7; plus strand). Cytogenetic location: 8q12.2.
Variant type: single nucleotide variant.
Coding change: c.2713C>G on transcript NM_017780.4 (MANE Select); coding-DNA position 2713, C replaced by G.
Protein change: p.Leu905Val; replaces leucine 905 with valine.
Molecular consequence: missense variant. On other transcripts: intron variant (1).
Genome position (GRCh38, 1-based): chr8:60,821,805, C>G. VCF-style: chr8-60821805-C-G. GRCh37 (hg19) VCF-style: chr8-61734364-C-G.
Other names: c.1717-40424C>G (NM_001316690.1); short protein forms L905V.
Identifiers: ClinVar variation 1700471 (VCV001700471.2), dbSNP rs2150748752, ClinGen allele CA371307589.

ClinVar aggregate classification (germline): Uncertain significance (1 of 4 stars; one submission).

Submission:

GeneDx
Classification: Uncertain significance. Last evaluated: 2022-02-08. Review status: criteria provided, single submitter. Criteria: GeneDx Variant Classification Process June 2021. Collection method: clinical testing. Allele origin: germline. Affected: yes.
Comment: Not observed at significant frequency in large population cohorts (gnomAD); In silico analysis supports that this missense variant has a deleterious effect on protein structure/function; Has not been previously published as pathogenic or benign to our knowledge